The following is an entry in ClinVar:

NM_006846.4(SPINK5):c.1303-100G>A

Gene: SPINK5 (serine peptidase inhibitor Kazal type 5; plus strand). Cytogenetic location: 5q32.
Variant type: single nucleotide variant.
Coding change: c.1303-100G>A on transcript NM_006846.4 (MANE Select); 100 bases into the intron before coding-DNA position 1303, G replaced by A.
Molecular consequence: intron variant.
Genome position (GRCh38, 1-based): chr5:148,101,681, G>A. VCF-style: chr5-148101681-G-A. GRCh37 (hg19) VCF-style: chr5-147481244-G-A.
Other names: c.1303-100G>A (NM_001127698.2, NM_001127699.2).
Identifiers: ClinVar variation 676602 (VCV000676602.1), dbSNP rs73271122, ClinGen allele CA128919384.

ClinVar aggregate classification (germline): Benign (1 of 4 stars; one submission).

Allele frequency attached by ClinVar (database versions not stated): gnomAD exomes 0.00131; gnomAD 0.01467 and 0.01577; 1000 Genomes Project 0.01478; TOPMed 0.01618; 1000 Genomes Project 30x 0.01640.
gnomAD v4.1: 4,142 of 1,564,978 alleles (0.26%); highest among the groups gnomAD compares: African/African-American, 5%; 106 homozygotes.

Submission:

GeneDx
Classification: Benign. Last evaluated: 2018-06-16. Review status: criteria provided, single submitter. Criteria: GeneDx Variant Classification (06012015). Collection method: clinical testing. Allele origin: germline. Affected: yes.
Comment: This variant is considered likely benign or benign based on one or more of the following criteria: it is a conservative change, it occurs at a poorly conserved position in the protein, it is predicted to be benign by multiple in silico algorithms, and/or has population frequency not consistent with disease.